The following is an entry in ClinVar:

NM_001040108.2(MLH3):c.2424T>C (p.Thr808=)

Gene: MLH3 (mutL homolog 3; minus strand). Cytogenetic location: 14q24.3.
Variant type: single nucleotide variant.
Coding change: c.2424T>C on transcript NM_001040108.2 (MANE Select); coding-DNA position 2424, T replaced by C.
Protein change: p.Thr808=; no amino-acid change (threonine 808 retained).
Molecular consequence: synonymous variant.
Genome position (GRCh38, 1-based): chr14:75,047,232, A>G on the plus strand (T>C on the coding strand, the complement: MLH3 is on the minus strand). VCF-style: chr14-75047232-A-G. GRCh37 (hg19) VCF-style: chr14-75513935-A-G.
Other names: c.2424T>C, p.Thr808= (NM_014381.3).
Identifiers: ClinVar variation 1791065 (VCV001791065.3), dbSNP rs977072796, ClinGen allele CA263648328.

ClinVar aggregate classification (germline): Benign/Likely benign. Review status: criteria provided, multiple submitters, no conflicts (2 of 4 stars). 2 submissions from 2 submitters: Benign (1); Likely benign (1). Last evaluated 2026-09-14.

Conditions:
Colorectal cancer, hereditary nonpolyposis, type 7. Identifiers: Orphanet 144, MedGen C1858380, MONDO:0013725, OMIM 614385.

Allele frequency attached by ClinVar (database versions not stated): gnomAD exomes 0.00001; TOPMed below 0.00001.
gnomAD v4.1: 3 of 1,614,128 alleles (0.00019%); highest among the groups gnomAD compares: Non-Finnish European, 0.00025%; no homozygotes.

Submissions (2):

Myriad Genetics, Inc.
Classification: Benign for Colorectal cancer, hereditary nonpolyposis, type 7. Last evaluated: 2026-09-14. Review status: criteria provided, single submitter. Criteria: Myriad Autosomal Dominant, Autosomal Recessive and X-Linked Classification Criteria (2023). Collection method: clinical testing. Allele origin: unknown.
Comment: This variant is considered benign. This variant is a silent/synonymous amino acid change and it is not expected to impact splicing.

Ambry Genetics
Classification: Likely benign. Last evaluated: 2022-03-31. Review status: criteria provided, single submitter. Criteria: Ambry Variant Classification Scheme 2023. Collection method: clinical testing. Allele origin: germline.